The following is an entry in ClinVar:

ClinVar aggregate classification (germline): Uncertain significance (1 of 4 stars; one submission).

Conditions:
Dilated cardiomyopathy 3B (CMD3B). Also called: CMD3B: DMD-Related Dilated Cardiomyopathy; CARDIOMYOPATHY, DILATED, X-LINKED; DMD-Associated Dilated Cardiomyopathy. Identifiers: Orphanet 154, MedGen C3668940, MONDO:0010542, OMIM 302045.

Allele frequency attached by ClinVar (database versions not stated): gnomAD exomes 0.00001.
gnomAD v4.1: 5 of 1,107,963 alleles (0.00045%); highest among the groups gnomAD compares: Non-Finnish European, 0.00062%; no homozygotes.

Submission:

Centre for Mendelian Genomics, University Medical Centre Ljubljana
Classification: Uncertain significance for Dilated cardiomyopathy 3B. Last evaluated: 2019-08-27. Review status: criteria provided, single submitter. Criteria: ACMG Guidelines, 2015. Collection method: clinical testing. Allele origin: unknown. Affected: yes.
Comment: This variant was classified as: Uncertain significance. The available evidence on this variant's pathogenicity is insufficient or conflicting. The following ACMG criteria were applied in classifying this variant: PM2. This variant was detected in hemizygous state.

NM_004006.3(DMD):c.649+26G>T

Gene: DMD (dystrophin; minus strand). Cytogenetic location: Xp21.1.
Variant type: single nucleotide variant.
Coding change: c.649+26G>T on transcript NM_004006.3 (MANE Select); 26 bases into the intron after coding-DNA position 649, G replaced by T.
Molecular consequence: intron variant.
Genome position (GRCh38, 1-based): chrX:32,809,467, C>A on the plus strand (G>T on the coding strand, the complement: DMD is on the minus strand). VCF-style: chrX-32809467-C-A. GRCh37 (hg19) VCF-style: chrX-32827584-C-A.
Other names: c.625+26G>T (NM_000109.4); c.637+26G>T (NM_004009.3); c.280+26G>T (NM_004010.3).
Identifiers: ClinVar variation 930752 (VCV000930752.3), dbSNP rs2077186133, ClinGen allele CA1139667394.
Genomic context (GRCh38, chrX:32,809,467, plus strand): 5'-GTATTTTGTGTAGAAATGACAAGTCTCAGATGAAAACATTAAACTCTACCATACTAAAAG[C>A]AGTGGTAGTCCAGAAATTTACCAACCTTCAGGATCGAGTAGTTTCTCTATGCCTAATTGA-3'